The following is an entry in ClinVar:

NM_004006.3(DMD):c.5449-16T>A

Gene: DMD (dystrophin; minus strand). Cytogenetic location: Xp21.1.
Variant type: single nucleotide variant.
Coding change: c.5449-16T>A on transcript NM_004006.3 (MANE Select); 16 bases into the intron before coding-DNA position 5449, T replaced by A.
Molecular consequence: intron variant.
Genome position (GRCh38, 1-based): chrX:32,346,096, A>T on the plus strand (T>A on the coding strand, the complement: DMD is on the minus strand). VCF-style: chrX-32346096-A-T. GRCh37 (hg19) VCF-style: chrX-32364213-A-T.
Other names: c.5425-16T>A (NM_000109.4); c.1426-16T>A (NM_004011.4); c.1417-16T>A (NM_004012.4); c.5437-16T>A (NM_004009.3); c.5080-16T>A (NM_004010.3).
Identifiers: ClinVar variation 4698449 (VCV004698449.1).
Genomic context (GRCh38, chrX:32,346,096, plus strand): 5'-TCCTCTTTGCAACAATTCTTTTACAGTACCCTCATTGTCTTCATTCTGATCAAAAACAAC[A>T]AGTACAGTCTTCATTTTGGTTTTTAAAAAGCTGTACATTGTTAACAGAGATAATAAGACA-3'

ClinVar aggregate classification (germline): Uncertain significance (1 of 4 stars; one submission).

Conditions:
Duchenne muscular dystrophy (DMD). Also called: MUSCULAR DYSTROPHY, PSEUDOHYPERTROPHIC PROGRESSIVE, DUCHENNE TYPE; Duchenne Muscular Dystrophy (DMD). Identifiers: Orphanet 98896, MedGen C0013264, MONDO:0010679, OMIM 310200.

Submission:

Labcorp Genetics (formerly Invitae), Labcorp
Classification: Uncertain significance for Duchenne muscular dystrophy. Last evaluated: 2025-09-11. Review status: criteria provided, single submitter. Criteria: Invitae Variant Classification Sherloc (09022015). Collection method: clinical testing. Allele origin: germline.
Comment: This sequence change falls in intron 38 of the DMD gene. It does not directly change the encoded amino acid sequence of the DMD protein. This variant is not present in population databases (gnomAD no frequency). This variant has not been reported in the literature in individuals affected with DMD-related conditions. Algorithms developed to predict the effect of sequence changes on RNA splicing suggest that this variant may disrupt the consensus splice site. In summary, the available evidence is currently insufficient to determine the role of this variant in disease. Therefore, it has been classified as a Variant of Uncertain Significance.